The following is an entry in ClinVar:

ClinVar aggregate classification (germline): Uncertain significance (1 of 4 stars; one submission).

Conditions:
Ataxia-telangiectasia syndrome (AT). Also called: Cerebello-oculocutaneous telangiectasia; Immunodeficiency with ataxia telangiectasia; LOUIS-BAR SYNDROME; AT, COMPLEMENTATION GROUP C; ATAXIA-TELANGIECTASIA, COMPLEMENTATION GROUP A; ATAXIA-TELANGIECTASIA, FRESNO VARIANT. Identifiers: Orphanet 100, MedGen C0004135, MONDO:0008840, OMIM 208900.

Submission:

Labcorp Genetics (formerly Invitae), Labcorp
Classification: Uncertain significance for Ataxia-telangiectasia syndrome. Last evaluated: 2019-09-24. Review status: criteria provided, single submitter. Criteria: Invitae Variant Classification Sherloc (09022015). Collection method: clinical testing. Allele origin: germline.
Comment: In summary, the available evidence is currently insufficient to determine the role of this variant in disease. Therefore, it has been classified as a Variant of Uncertain Significance. Algorithms developed to predict the effect of missense changes on protein structure and function (SIFT, PolyPhen-2, Align-GVGD) all suggest that this variant is likely to be disruptive, but these predictions have not been confirmed by published functional studies and their clinical significance is uncertain. This variant has not been reported in the literature in individuals with ATM-related conditions. This variant is not present in population databases (ExAC no frequency). This sequence change replaces threonine with isoleucine at codon 1389 of the ATM protein (p.Thr1389Ile). The threonine residue is highly conserved and there is a moderate physicochemical difference between threonine and isoleucine.

NM_000051.4(ATM):c.4166C>T (p.Thr1389Ile)

Gene: ATM (ATM serine/threonine kinase; plus strand). Cytogenetic location: 11q22.3.
Variant type: single nucleotide variant.
Coding change: c.4166C>T on transcript NM_000051.4 (MANE Select); coding-DNA position 4166, C replaced by T.
Protein change: p.Thr1389Ile; replaces threonine 1389 with isoleucine.
Molecular consequence: missense variant.
Genome position (GRCh38, 1-based): chr11:108,289,033, C>T. VCF-style: chr11-108289033-C-T. GRCh37 (hg19) VCF-style: chr11-108159760-C-T.
Other names: c.4166C>T, p.Thr1389Ile (NM_001351834.2); short protein forms T1389I.
Identifiers: ClinVar variation 938145 (VCV000938145.9), dbSNP rs2082642834, ClinGen allele CA382530119.
Genomic context (GRCh38, chr11:108,289,033, plus strand): 5'-TTAGGGATTTGGATCCTGCTCCTAATCCACCTCATTTTCCATCGCATGTGATTAAAGCAA[C>T]ATTTGCCTATATCAGCAATTGTCATAAAACCAAGTTAAAAAGCATTTTAGAAATTCTTTC-3'
Protein context (NP_000042.3, residues 1379-1399): PHFPSHVIKA[Thr1389Ile]FAYISNCHKT